The following is an entry in ClinVar:

ClinVar aggregate classification (germline): Uncertain significance (1 of 4 stars; one submission).

Conditions:
Tyrosinase-positive oculocutaneous albinism (OCA2). Also called: ALBINISM II; Albinism, oculocutaneous, type II; Oculocutaneous albinism type 2. Identifiers: Orphanet 79432, MedGen C0268495, MONDO:0008746, OMIM 203200.

Submission:

Diagnostics Services (NGS), CSIR - Centre For Cellular And Molecular Biology
Classification: Uncertain significance for Tyrosinase-positive oculocutaneous albinism. Last evaluated: 2024-04-05. Review status: criteria provided, single submitter. Criteria: ACMG Guidelines, 2015. Collection method: clinical testing. Allele origin: germline. Affected: yes. Observed: 1 variant allele, 1 homozygote.
Comment: The c.1066G>C variant is not present in publicly available population databases like 1000 Genomes, ExAC, EVS, gnomAD, Indian Exome Database or our in-house exome database. This variant has neither been published in literature in individuals affected with OCA2-related conditions nor reported to the clinical databases like ClinVar, Human Genome Mutation Database (HGMD) or OMIM, in any affected individuals. In-silico pathogenicity prediction programs like SIFT, PolyPhen-2, MutationTaster2, CADD etc predicted this variant to be likely deleterious however these predictions were not confirmed by published functional studies.

NM_000275.3(OCA2):c.1066G>C (p.Ala356Pro)

Gene: OCA2 (OCA2 melanosomal transmembrane protein; minus strand). Cytogenetic location: 15q13.1.
Variant type: single nucleotide variant.
Coding change: c.1066G>C on transcript NM_000275.3 (MANE Select); coding-DNA position 1066, G replaced by C.
Protein change: p.Ala356Pro; replaces alanine 356 with proline.
Molecular consequence: missense variant. On other transcripts: intron variant (1).
Genome position (GRCh38, 1-based): chr15:27,990,626, C>G on the plus strand (G>C on the coding strand, the complement: OCA2 is on the minus strand). VCF-style: chr15-27990626-C-G. GRCh37 (hg19) VCF-style: chr15-28235772-C-G.
Other names: c.1045-960G>C (NM_001300984.2); short protein forms A356P.
Identifiers: ClinVar variation 3251960 (VCV003251960.1), dbSNP rs1246016828.